The following is an entry in ClinVar:

NM_018896.5(CACNA1G):c.6032C>A (p.Thr2011Lys)

Gene: CACNA1G (calcium voltage-gated channel subunit alpha1 G; plus strand). Cytogenetic location: 17q21.33.
Variant type: single nucleotide variant.
Coding change: c.6032C>A on transcript NM_018896.5 (MANE Select); coding-DNA position 6032, C replaced by A.
Protein change: p.Thr2011Lys; replaces threonine 2011 with lysine.
Molecular consequence: missense variant. On other transcripts: intron variant (24).
Genome position (GRCh38, 1-based): chr17:50,621,766, C>A. VCF-style: chr17-50621766-C-A. GRCh37 (hg19) VCF-style: chr17-48699127-C-A.
Other names: c.5999C>A, p.Thr2000Lys (NM_198377.3); c.5819C>A, p.Thr1940Lys (NM_198383.3); c.5930C>A, p.Thr1977Lys (NM_198396.3); c.5803-2141C>A (NM_001256325.2); c.5892+1940C>A (NM_198380.3); c.5749-2141C>A (NM_198378.3, NM_001256334.2); c.5925+1940C>A (NM_198385.3); c.5782-2141C>A (NM_198384.3, NM_001256333.2); and 15 more; short protein forms T1940K, T1977K, T2000K, T2011K.
Identifiers: ClinVar variation 4851693 (VCV004851693.1).

ClinVar aggregate classification (germline): Uncertain significance (1 of 4 stars; one submission).

Submission:

Greenwood Genetic Center Diagnostic Laboratories, Greenwood Genetic Center
Classification: Uncertain significance. Last evaluated: 2025-02-19. Review status: criteria provided, single submitter. Criteria: ACMG Guidelines, 2015. Collection method: clinical testing. Allele origin: germline.
Comment: PM2, BP4, PP2